The following is an entry in ClinVar:

ClinVar aggregate classification (germline): Uncertain significance. Review status: criteria provided, multiple submitters, no conflicts (2 of 4 stars). 3 submissions from 3 submitters: Uncertain significance (3). Last evaluated 2026-04-13.

Allele frequency attached by ClinVar (database versions not stated): gnomAD 0.00003; TOPMed 0.00007.

Submissions (3):

Women's Health and Genetics/Laboratory Corporation of America, LabCorp
Classification: Uncertain significance. Last evaluated: 2026-04-13. Review status: criteria provided, single submitter. Criteria: LabCorp Variant Classification Summary - May 2015. Collection method: clinical testing. Allele origin: germline.
Comment: Variant summary: SOX3 c.956G>A (p.Ser319Asn) results in a conservative amino acid change in the encoded protein sequence. Algorithms developed to predict the effect of missense changes on protein structure and function all suggest that this variant is likely to be tolerated. The variant was absent in 28808 control chromosomes. The available data on variant occurrences in the general population are insufficient to allow any conclusion about variant significance. To our knowledge, no occurrence of c.956G>A in individuals affected with SOX3-related conditions and no experimental evidence demonstrating its impact on protein function have been reported. ClinVar contains an entry for this variant (Variation ID: 2081454). Based on the evidence outlined above, the variant was classified as uncertain significance.

Ambry Genetics
Classification: Uncertain significance. Last evaluated: 2025-11-23. Review status: criteria provided, single submitter. Criteria: Ambry Variant Classification Scheme 2023. Collection method: clinical testing. Allele origin: germline.

Labcorp Genetics (formerly Invitae), Labcorp
Classification: Uncertain significance. Last evaluated: 2022-09-27. Review status: criteria provided, single submitter. Criteria: Invitae Variant Classification Sherloc (09022015). Collection method: clinical testing. Allele origin: germline.
Comment: This sequence change replaces serine, which is neutral and polar, with asparagine, which is neutral and polar, at codon 319 of the SOX3 protein (p.Ser319Asn). In summary, the available evidence is currently insufficient to determine the role of this variant in disease. Therefore, it has been classified as a Variant of Uncertain Significance. Advanced modeling of protein sequence and biophysical properties (such as structural, functional, and spatial information, amino acid conservation, physicochemical variation, residue mobility, and thermodynamic stability) performed at Invitae indicates that this missense variant is not expected to disrupt SOX3 protein function. This variant has not been reported in the literature in individuals affected with SOX3-related conditions. The frequency data for this variant in the population databases is considered unreliable, as metrics indicate insufficient coverage at this position in the gnomAD database.

NM_005634.3(SOX3):c.956G>A (p.Ser319Asn)

Gene: SOX3 (SRY-box transcription factor 3; minus strand). Cytogenetic location: Xq27.1.
Variant type: single nucleotide variant.
Coding change: c.956G>A on transcript NM_005634.3 (MANE Select); coding-DNA position 956, G replaced by A.
Protein change: p.Ser319Asn; replaces serine 319 with asparagine.
Molecular consequence: missense variant.
Genome position (GRCh38, 1-based): chrX:140,504,105, C>T on the plus strand (G>A on the coding strand, the complement: SOX3 is on the minus strand). VCF-style: chrX-140504105-C-T. GRCh37 (hg19) VCF-style: chrX-139586270-C-T.
Other names: short protein forms S319N.
Identifiers: ClinVar variation 2081454 (VCV002081454.7), dbSNP rs1351220340, ClinGen allele CA414477612.
Genomic context (GRCh38, chrX:140,504,105, plus strand): 5'-GAGGGCGCCATGCCCCCGTAGCCCGAGGCGGCGGCGGCCGCGGCAGCGACGTTCATGTAG[C>T]TCTGAGCGCCGGGCGGCATCATTGGGCTGTACTGCAGGCCGGCCATGTCGTAGCGGTGCA-3'
Protein context (NP_005625.2, residues 309-329): YSPMMPPGAQ[Ser319Asn]YMNVAAAAAA